The following is an entry in ClinVar:

ClinVar aggregate classification (germline): Uncertain significance (1 of 4 stars; one submission).

Submission:

GeneDx
Classification: Uncertain significance. Last evaluated: 2025-07-12. Review status: criteria provided, single submitter. Criteria: GeneDx Variant Classification Process June 2021. Collection method: clinical testing. Allele origin: germline. Affected: yes.
Comment: Not observed at significant frequency in large population cohorts (gnomAD); In silico analysis supports that this missense variant has a deleterious effect on protein structure/function; Has not been previously published as pathogenic or benign to our knowledge

NM_001384732.1(CPLANE1):c.67T>C (p.Ser23Pro)

Gene: CPLANE1 (ciliogenesis and planar polarity effector complex subunit 1; minus strand). Cytogenetic location: 5p13.2.
Variant type: single nucleotide variant.
Coding change: c.67T>C on transcript NM_001384732.1 (MANE Select); coding-DNA position 67, T replaced by C.
Protein change: p.Ser23Pro; replaces serine 23 with proline.
Molecular consequence: missense variant.
Genome position (GRCh38, 1-based): chr5:37,247,632, A>G on the plus strand (T>C on the coding strand, the complement: CPLANE1 is on the minus strand). VCF-style: chr5-37247632-A-G. GRCh37 (hg19) VCF-style: chr5-37247734-A-G.
Other names: c.67T>C, p.Ser23Pro (NM_023073.4); short protein forms S23P.
Identifiers: ClinVar variation 4686377 (VCV004686377.1).